The following is an entry in ClinVar:

NM_004260.4(RECQL4):c.2576G>A (p.Arg859Lys)

Gene: RECQL4 (RecQ like helicase 4; minus strand). Cytogenetic location: 8q24.3.
Variant type: single nucleotide variant.
Coding change: c.2576G>A on transcript NM_004260.4 (MANE Select); coding-DNA position 2576, G replaced by A.
Protein change: p.Arg859Lys; replaces arginine 859 with lysine.
Molecular consequence: missense variant. On other transcripts: non-coding transcript variant (3).
Genome position (GRCh38, 1-based): chr8:144,513,026, C>T on the plus strand (G>A on the coding strand, the complement: RECQL4 is on the minus strand). VCF-style: chr8-144513026-C-T. GRCh37 (hg19) VCF-style: chr8-145738409-C-T.
Other names: c.2576G>A, p.Arg859Lys (NM_001413036.1, NM_001413019.1); c.1373G>A, p.Arg458Lys (NM_001413037.1); c.1307G>A, p.Arg436Lys (NM_001413038.1, NM_001413031.1); c.2546G>A, p.Arg849Lys (NM_001413039.1); c.1505G>A, p.Arg502Lys (NM_001413040.1, NM_001413021.1, NM_001413022.1 and 5 more transcripts); c.1439G>A, p.Arg480Lys (NM_001413041.1, NM_001413027.1, NM_001413030.1 and 1 more transcripts); c.1475G>A, p.Arg492Lys (NM_001413042.1); c.1109G>A, p.Arg370Lys (NM_001413043.1); and 6 more; short protein forms R370K, R436K, R458K, R480K, R492K, R502K, R742K, R761K.
Identifiers: ClinVar variation 3607272 (VCV003607272.2).

ClinVar aggregate classification (germline): Uncertain significance (1 of 4 stars; one submission).

Conditions:
Baller-Gerold syndrome (BGS). Also called: CRANIOSYNOSTOSIS WITH RADIAL DEFECTS. Identifiers: Orphanet 1225, MedGen C0265308, MONDO:0009039, OMIM 218600.

Submission:

Labcorp Genetics (formerly Invitae), Labcorp
Classification: Uncertain significance for Baller-Gerold syndrome. Last evaluated: 2024-07-04. Review status: criteria provided, single submitter. Criteria: Invitae Variant Classification Sherloc (09022015). Collection method: clinical testing. Allele origin: germline.
Comment: This sequence change replaces arginine, which is basic and polar, with lysine, which is basic and polar, at codon 859 of the RECQL4 protein (p.Arg859Lys). This variant is not present in population databases (gnomAD no frequency). This variant has not been reported in the literature in individuals affected with RECQL4-related conditions. Advanced modeling of protein sequence and biophysical properties (such as structural, functional, and spatial information, amino acid conservation, physicochemical variation, residue mobility, and thermodynamic stability) performed at Invitae indicates that this missense variant is not expected to disrupt RECQL4 protein function with a negative predictive value of 80%. In summary, the available evidence is currently insufficient to determine the role of this variant in disease. Therefore, it has been classified as a Variant of Uncertain Significance.